The following is an entry in ClinVar:

NM_021971.4(GMPPB):c.473G>C (p.Arg158Pro)

Gene: GMPPB (GDP-mannose pyrophosphorylase B; minus strand). Cytogenetic location: 3p21.31.
Variant type: single nucleotide variant.
Coding change: c.473G>C on transcript NM_021971.4 (MANE Select); coding-DNA position 473, G replaced by C.
Protein change: p.Arg158Pro; replaces arginine 158 with proline.
Molecular consequence: missense variant.
Genome position (GRCh38, 1-based): chr3:49,722,684, C>G on the plus strand (G>C on the coding strand, the complement: GMPPB is on the minus strand). VCF-style: chr3-49722684-C-G. GRCh37 (hg19) VCF-style: chr3-49760117-C-G.
Other names: c.473G>C, p.Arg158Pro (NM_013334.4); short protein forms R158P.
Identifiers: ClinVar variation 657979 (VCV000657979.6), dbSNP rs374497499, ClinGen allele CA352828731.

ClinVar aggregate classification (germline): Uncertain significance (1 of 4 stars; one submission).

Conditions:
Muscular dystrophy-dystroglycanopathy (congenital with brain and eye anomalies), type A14. Also called: Congenital Muscular Dystrophy-Dystroglycanopathy with Brain and Eye Anomalies Type A 14; Congenital muscular dystrophy-dystroglycanopathy with brain and eye anomalies, type A14; Muscular dystrophy-dystroglycanopathy (congenital with brain and eye anomalies), type a, 14; WALKER-WARBURG SYNDROME OR MUSCLE-EYE-BRAIN DISEASE, GMPPB-RELATED. Identifiers: Orphanet 588, MedGen C3809216, MONDO:0014140, OMIM 615350.
Muscular dystrophy-dystroglycanopathy (congenital with impaired intellectual development), type B, 14. Also called: Congenital muscular dystrophy-dystroglycanopathy with mental retardation, type B14; MUSCULAR DYSTROPHY, CONGENITAL, GMPPB-RELATED; Muscular dystrophy-dystroglycanopathy (congenital with intellectual disability), type B14. Identifiers: MedGen C3809221, MONDO:0014141, OMIM 615351.
Autosomal recessive limb-girdle muscular dystrophy type 2T. Also called: Limb-girdle muscular dystrophy-dystroglycanopathy, type C14; MUSCULAR DYSTROPHY-DYSTROGLYCANOPATHY, LIMB-GIRDLE, GMPPB-RELATED; MUSCULAR DYSTROPHY, LIMB-GIRDLE, TYPE 2T; Muscular dystrophy-dystroglycanopathy (limb-girdle), type c, 14. Identifiers: Orphanet 363623, MedGen C4518000, MONDO:0014142, OMIM 615352.

Submission:

Labcorp Genetics (formerly Invitae), Labcorp
Classification: Uncertain significance for Autosomal recessive limb-girdle muscular dystrophy type 2T; Muscular dystrophy-dystroglycanopathy (congenital with brain and eye anomalies), type A14; Muscular dystrophy-dystroglycanopathy (congenital with impaired intellectual development), type B, 14. Last evaluated: 2022-10-13. Review status: criteria provided, single submitter. Criteria: Invitae Variant Classification Sherloc (09022015). Collection method: clinical testing. Allele origin: germline.
Comment: In summary, the available evidence is currently insufficient to determine the role of this variant in disease. Therefore, it has been classified as a Variant of Uncertain Significance. Advanced modeling of protein sequence and biophysical properties (such as structural, functional, and spatial information, amino acid conservation, physicochemical variation, residue mobility, and thermodynamic stability) performed at Invitae indicates that this missense variant is expected to disrupt GMPPB protein function. ClinVar contains an entry for this variant (Variation ID: 657979). This variant has not been reported in the literature in individuals affected with GMPPB-related conditions. This variant is not present in population databases (gnomAD no frequency). This sequence change replaces arginine, which is basic and polar, with proline, which is neutral and non-polar, at codon 158 of the GMPPB protein (p.Arg158Pro).